The following is an entry in ClinVar:

NM_058195.4(CDKN2A):c.26T>A (p.Leu9His)

Gene: CDKN2A (cyclin dependent kinase inhibitor 2A; minus strand). Cytogenetic location: 9p21.3.
Variant type: single nucleotide variant.
Coding change: c.26T>A on transcript NM_058195.4 (MANE Plus Clinical); coding-DNA position 26, T replaced by A.
Protein change: p.Leu9His; replaces leucine 9 with histidine.
Molecular consequence: missense variant. On other transcripts: intron variant (1).
Genome position (GRCh38, 1-based): chr9:21,994,306, A>T on the plus strand (T>A on the coding strand, the complement: CDKN2A is on the minus strand). VCF-style: chr9-21994306-A-T. GRCh37 (hg19) VCF-style: chr9-21994305-A-T.
Other names: c.-4+515T>A (NM_001363763.2); short protein forms L9H.
Identifiers: ClinVar variation 4844737 (VCV004844737.1).

ClinVar aggregate classification (germline): Uncertain significance (1 of 4 stars; one submission).

Conditions:
Hereditary cancer-predisposing syndrome. Also called: Tumor predisposition; Hereditary neoplastic syndrome; Hereditary Cancer Syndrome; Neoplastic Syndromes, Hereditary. Identifiers: Orphanet 140162, MedGen C0027672, MeSH D009386, MONDO:0015356.

gnomAD v4.1: 1 of 1,604,716 alleles (0.000062%); highest among the groups gnomAD compares: Non-Finnish European, 0.000085%; no homozygotes.

Submission:

Ambry Genetics
Classification: Uncertain significance for Hereditary cancer-predisposing syndrome. Last evaluated: 2026-02-23. Review status: criteria provided, single submitter. Criteria: Ambry Variant Classification Scheme 2023. Collection method: clinical testing. Allele origin: germline.
Comment: The p.L9H variant (also known as c.26T>A), located in coding exon 1 of the CDKN2A (p14ARF) gene, results from a T to A substitution at nucleotide position 26. The leucine at codon 9 is replaced by histidine, an amino acid with similar properties. This amino acid position is poorly conserved in available vertebrate species. Based on the available evidence, the clinical significance of this variant remains unclear.